The following is an entry in ClinVar:

ClinVar aggregate classification (germline): Pathogenic (1 of 4 stars; one submission).

Conditions:
Hereditary breast ovarian cancer syndrome. Also called: Hereditary breast and ovarian cancer; Hereditary breast and ovarian cancer syndrome (HBOC); Breast and ovarian cancer; Hereditary breast and/or ovarian cancer syndrome; BRCA1- and BRCA2-Associated Hereditary Breast and Ovarian Cancer; Hereditary breast and ovarian cancer syndrome. Identifiers: Orphanet 145, MedGen C0677776, MeSH D061325, MONDO:0003582. Disease mechanism: loss of function.

Submissions (2):

Labcorp Genetics (formerly Invitae), Labcorp
Classification: Pathogenic for Hereditary breast ovarian cancer syndrome. Last evaluated: 2023-08-23. Review status: criteria provided, single submitter. Criteria: Invitae Variant Classification Sherloc (09022015). Collection method: clinical testing. Allele origin: germline.
Comment: For these reasons, this variant has been classified as Pathogenic. This sequence change creates a premature translational stop signal (p.Cys1828*) in the BRCA1 gene. While this is not anticipated to result in nonsense mediated decay, it is expected to disrupt the last 36 amino acid(s) of the BRCA1 protein. This variant is not present in population databases (gnomAD no frequency). This variant has not been reported in the literature in individuals affected with BRCA1-related conditions. ClinVar contains an entry for this variant (Variation ID: 868580). Algorithms developed to predict the effect of variants on protein structure and function are not available or were not evaluated for this variant. Experimental studies have shown that this premature translational stop signal affects BRCA1 function (PMID: 30209399). This variant disrupts the C-terminal end of the BRCA1 protein partially including the BRCT domain (residues 1646-1859), which is important for DNA repair activity (PMID: 11573086, 14576433, 15133503, 25652403). While functional studies have not been performed to directly test the effect on BRCA1 protein function, this suggests that disruption of the C-terminal portion of the protein is functionally important. A different truncation (p.Tyr1853*) that lies downstream of this variant has been determined to be pathogenic (PMID: 21922593, 10811118, 11739404, 12400015, 7894493, Invitae). This suggests that variants that disrupt this region of the protein are likely to be causative of disease.

Brotman Baty Institute, University of Washington
No classification provided (evidence only). Condition: Breast-ovarian cancer, familial 1. Review status: no classification provided. Collection method: in vitro. Allele origin: not applicable. Functional consequence: functionally_abnormal. Not counted in ClinVar's aggregate classification.
ClinVar note: "not provided" was previously submitted as the classification for the variant. However, the classification appeared to be based only on an observation of functional data so it was converted to no classification on 2025-07-30.

Literature cited by the submitters: PubMed 30209399 (cited by Labcorp Genetics (formerly Invitae), Labcorp); PubMed 11573086 (cited by Labcorp Genetics (formerly Invitae), Labcorp); PubMed 14576433 (cited by Labcorp Genetics (formerly Invitae), Labcorp); PubMed 15133503 (cited by Labcorp Genetics (formerly Invitae), Labcorp); PubMed 25652403 (cited by Labcorp Genetics (formerly Invitae), Labcorp); PubMed 21922593 (cited by Labcorp Genetics (formerly Invitae), Labcorp); PubMed 10811118 (cited by Labcorp Genetics (formerly Invitae), Labcorp); PubMed 11739404 (cited by Labcorp Genetics (formerly Invitae), Labcorp); PubMed 12400015 (cited by Labcorp Genetics (formerly Invitae), Labcorp); PubMed 7894493 (cited by Labcorp Genetics (formerly Invitae), Labcorp).

NM_007294.4(BRCA1):c.5484T>A (p.Cys1828Ter)

Gene: BRCA1 (BRCA1 DNA repair associated; minus strand). Cytogenetic location: 17q21.31.
Variant type: single nucleotide variant.
Coding change: c.5484T>A on transcript NM_007294.4 (MANE Select); coding-DNA position 5484, T replaced by A.
Protein change: p.Cys1828Ter; replaces cysteine 1828 with a stop codon.
Molecular consequence: nonsense. On other transcripts: stop lost (17), non-coding transcript variant (1).
Genome position (GRCh38, 1-based): chr17:43,045,786, A>T on the plus strand (T>A on the coding strand, the complement: BRCA1 is on the minus strand). VCF-style: chr17-43045786-A-T. GRCh37 (hg19) VCF-style: chr17-41197803-A-T.
Other names: *700R; c.5478T>A, p.Cys1826Ter (NM_001407627.1, NM_001407628.1, NM_001407629.1 and 13 more transcripts); c.2172T>A, p.Cys724Ter (NM_001407984.1, NM_001407985.1, NM_001407986.1 and 11 more transcripts); c.2169T>A, p.Cys723Ter (NM_001408392.1, NM_001408396.1, NM_001408397.1 and 7 more transcripts); c.2046T>A, p.Cys682Ter (NM_001408445.1, NM_001408446.1, NM_001408447.1 and 2 more transcripts); c.2040T>A, p.Cys680Ter (NM_001408451.1); c.2034T>A, p.Cys678Ter (NM_001408452.1, NM_001408453.1, NM_001408454.1 and 3 more transcripts); c.5340T>A, p.Cys1780Ter (NM_001407732.1, NM_001407733.1, NM_001407734.1 and 18 more transcripts); and 84 more; short protein forms C1828*, C1781*, C1849*, C724*, C1531*, C1659*, C1716*, C1717*.
Identifiers: ClinVar variation 868580 (VCV000868580.6), dbSNP rs2050885130, ClinGen allele CA10590344.